The following is an entry in ClinVar:

ClinVar aggregate classification (germline): Uncertain significance. Review status: criteria provided, multiple submitters, no conflicts (2 of 4 stars). 2 submissions from 2 submitters: Uncertain significance (2). Last evaluated 2024-02-26.

Conditions:
Hereditary cancer-predisposing syndrome. Also called: Neoplastic Syndromes, Hereditary; Hereditary Cancer Syndrome; Tumor predisposition; Hereditary neoplastic syndrome. Identifiers: Orphanet 140162, MedGen C0027672, MeSH D009386, MONDO:0015356.

Submissions (2):

Ambry Genetics
Classification: Uncertain significance for Hereditary cancer-predisposing syndrome. Last evaluated: 2024-02-26. Review status: criteria provided, single submitter. Criteria: Ambry Variant Classification Scheme 2023. Collection method: clinical testing. Allele origin: germline.
Comment: The p.E487D variant (also known as c.1461G>C), located in coding exon 10 of the RAD50 gene, results from a G to C substitution at nucleotide position 1461. The glutamic acid at codon 487 is replaced by aspartic acid, an amino acid with highly similar properties. This amino acid position is conserved. In addition, this alteration is predicted to be tolerated by in silico analysis. Based on the available evidence, the clinical significance of this alteration remains unclear.

Labcorp Genetics (formerly Invitae), Labcorp
Classification: Uncertain significance for Hereditary cancer-predisposing syndrome. Last evaluated: 2023-08-20. Review status: criteria provided, single submitter. Criteria: Invitae Variant Classification Sherloc (09022015). Collection method: clinical testing. Allele origin: germline.
Comment: In summary, the available evidence is currently insufficient to determine the role of this variant in disease. Therefore, it has been classified as a Variant of Uncertain Significance. Advanced modeling of protein sequence and biophysical properties (such as structural, functional, and spatial information, amino acid conservation, physicochemical variation, residue mobility, and thermodynamic stability) performed at Invitae indicates that this missense variant is not expected to disrupt RAD50 protein function. This variant has not been reported in the literature in individuals affected with RAD50-related conditions. This variant is not present in population databases (gnomAD no frequency). This sequence change replaces glutamic acid, which is acidic and polar, with aspartic acid, which is acidic and polar, at codon 487 of the RAD50 protein (p.Glu487Asp).

NM_005732.4(RAD50):c.1461G>C (p.Glu487Asp)

Gene: RAD50 (RAD50 double strand break repair protein; plus strand). Cytogenetic location: 5q31.1.
Variant type: single nucleotide variant.
Coding change: c.1461G>C on transcript NM_005732.4 (MANE Select); coding-DNA position 1461, G replaced by C.
Protein change: p.Glu487Asp; replaces glutamic acid 487 with aspartic acid.
Molecular consequence: missense variant.
Genome position (GRCh38, 1-based): chr5:132,591,232, G>C. VCF-style: chr5-132591232-G-C. GRCh37 (hg19) VCF-style: chr5-131926924-G-C.
Other names: c.1461G>C (NM_005732.3); short protein forms E487D.
Identifiers: ClinVar variation 2754119 (VCV002754119.4), dbSNP rs2149842117, ClinGen allele CA360945439.